The following is an entry in ClinVar:

NM_138927.4(SON):c.3911T>G (p.Val1304Gly)

Gene: SON (SON DNA and RNA binding protein; plus strand). Cytogenetic location: 21q22.11.
Variant type: single nucleotide variant.
Coding change: c.3911T>G on transcript NM_138927.4 (MANE Select); coding-DNA position 3911, T replaced by G.
Protein change: p.Val1304Gly; replaces valine 1304 with glycine.
Molecular consequence: missense variant. On other transcripts: non-coding transcript variant (1), intron variant (1).
Genome position (GRCh38, 1-based): chr21:33,553,142, T>G. VCF-style: chr21-33553142-T-G. GRCh37 (hg19) VCF-style: chr21-34925448-T-G.
Other names: c.3911T>G, p.Val1304Gly (NM_001291411.2, NM_032195.3); c.245-4014T>G (NM_001291412.3); short protein forms V1304G.
Identifiers: ClinVar variation 4733405 (VCV004733405.1).

ClinVar aggregate classification (germline): Uncertain significance (1 of 4 stars; one submission).

Submission:

Labcorp Genetics (formerly Invitae), Labcorp
Classification: Uncertain significance. Last evaluated: 2025-12-16. Review status: criteria provided, single submitter. Criteria: Invitae Variant Classification Sherloc (09022015). Collection method: clinical testing. Allele origin: germline.
Comment: This sequence change replaces valine, which is neutral and non-polar, with glycine, which is neutral and non-polar, at codon 1304 of the SON protein (p.Val1304Gly). This variant is not present in population databases (gnomAD no frequency). This variant has not been reported in the literature in individuals affected with SON-related conditions. An algorithm developed to predict the effect of missense changes on protein structure and function (PolyPhen-2) suggests that this variant is likely to be disruptive. In summary, the available evidence is currently insufficient to determine the role of this variant in disease. Therefore, it has been classified as a Variant of Uncertain Significance.